The following is an entry in ClinVar:

NM_032447.5(FBN3):c.8207G>A (p.Arg2736Gln)

Gene: FBN3 (fibrillin 3; minus strand). Cytogenetic location: 19p13.2.
Variant type: single nucleotide variant.
Coding change: c.8207G>A on transcript NM_032447.5 (MANE Select); coding-DNA position 8207, G replaced by A.
Protein change: p.Arg2736Gln; replaces arginine 2736 with glutamine.
Molecular consequence: missense variant.
Genome position (GRCh38, 1-based): chr19:8,066,142, C>T on the plus strand (G>A on the coding strand, the complement: FBN3 is on the minus strand). VCF-style: chr19-8066142-C-T. GRCh37 (hg19) VCF-style: chr19-8131026-C-T.
Other names: c.8207G>A, p.Arg2736Gln (NM_001321431.2); short protein forms R2736Q.
Identifiers: ClinVar variation 4023490 (VCV004023490.2).

ClinVar aggregate classification (germline): Uncertain significance. Review status: criteria provided, multiple submitters, no conflicts (2 of 4 stars). 2 submissions from 2 submitters: Uncertain significance (2). Last evaluated 2025-07-19.

gnomAD v4.1: 40 of 1,613,484 alleles (0.0025%); highest among the groups gnomAD compares: African/African-American, 0.043%; no homozygotes.

Submissions (2):

Labcorp Genetics (formerly Invitae), Labcorp
Classification: Uncertain significance. Last evaluated: 2025-07-19. Review status: criteria provided, single submitter. Criteria: Invitae Variant Classification Sherloc (09022015). Collection method: clinical testing. Allele origin: germline.
Comment: This sequence change replaces arginine, which is basic and polar, with glutamine, which is neutral and polar, at codon 2736 of the FBN3 protein (p.Arg2736Gln). This variant is present in population databases (rs148868478, gnomAD 0.05%). This variant has not been reported in the literature in individuals affected with FBN3-related conditions. Invitae Evidence Modeling of protein sequence and biophysical properties (such as structural, functional, and spatial information, amino acid conservation, physicochemical variation, residue mobility, and thermodynamic stability) indicates that this missense variant is not expected to disrupt FBN3 protein function with a negative predictive value of 80%. In summary, the available evidence is currently insufficient to determine the role of this variant in disease. Therefore, it has been classified as a Variant of Uncertain Significance.

Ambry Genetics
Classification: Uncertain significance. Last evaluated: 2025-03-21. Review status: criteria provided, single submitter. Criteria: Ambry Variant Classification Scheme 2023. Collection method: clinical testing. Allele origin: germline.